The following is an entry in ClinVar:

ClinVar aggregate classification (germline): Likely benign (1 of 4 stars; one submission).

Allele frequency attached by ClinVar (database versions not stated): gnomAD exomes 0.00041; TOPMed 0.00043; ESP Exome Variant Server 0.00046; gnomAD 0.00048; ExAC 0.00068.
gnomAD v4.1: 664 of 1,612,732 alleles (0.041%); highest among the groups gnomAD compares: Middle Eastern, 0.066%; 1 homozygote.

Submission:

CeGaT Center for Human Genetics Tuebingen
Classification: Likely benign. Last evaluated: 2023-11-01. Review status: criteria provided, single submitter. Criteria: CeGaT Center For Human Genetics Tuebingen Variant Classification Criteria Version 2. Collection method: clinical testing. Allele origin: germline. Affected: yes. Observed: 1 variant allele.
Comment: MUC4: BP4, BP7

NM_018406.7(MUC4):c.2910C>T (p.Leu970=)

Gene: MUC4 (mucin 4, cell surface associated). Cytogenetic location: 3q29.
Variant type: single nucleotide variant.
Coding change: c.2910C>T on transcript NM_018406.7 (MANE Select); coding-DNA position 2910, C replaced by T.
Protein change: p.Leu970=; no amino-acid change (leucine 970 retained).
Molecular consequence: synonymous variant. On other transcripts: genic upstream transcript variant (2).
Genome position (GRCh38, 1-based): chr3:195,788,670, G>A on the plus strand (C>T on the coding strand, the complement: MUC4 is on the minus strand). VCF-style: chr3-195788670-G-A. GRCh37 (hg19) VCF-style: chr3-195515541-G-A.
Other names: c.2925C>T, p.Leu975= (NM_001322468.1); c.83-14365C>T (NM_138297.5); c.83-10215C>T (NM_004532.6).
Identifiers: ClinVar variation 2672980 (VCV002672980.23), dbSNP rs201181758, ClinGen allele CA2774874.
Genomic context (GRCh38, chr3:195,788,670, plus strand): 5'-GGTGTGACCTGTGGATGCCGAGGAAGCGTAGGTGACAGGAAGAGGGGTGGCGTTGCTGAT[G>A]AGGGCCGTGGTGAAGGTTTTACCAGACCCTGAAGGTGACAGAGTGTGGGTCTCGGTTTGT-3'
Protein context (NP_060876.5, residues 960-980): SGSGKTFTTA[Leu970=]ISNATPLPVT